The following is an entry in ClinVar:

ClinVar aggregate classification (germline): Uncertain significance (1 of 4 stars; one submission).

Conditions:
Hereditary sensory and autonomic neuropathy type 6. Also called: HSAN VI; Neuropathy, hereditary sensory and autonomic, type VI. Identifiers: Orphanet 314381, MedGen C3539003, MONDO:0013839, OMIM 614653.
Epidermolysis bullosa simplex 3, localized or generalized intermediate, with BP230 deficiency (EBS3). Also called: Epidermolysis bullosa simplex, autosomal recessive 2; Epidermolysis bullosa simplex due to BP230 deficiency. Identifiers: Orphanet 412181, MedGen C3809470, MONDO:0014180, OMIM 615425.

Allele frequency attached by ClinVar (database versions not stated): TOPMed below 0.00001.

Submission:

Labcorp Genetics (formerly Invitae), Labcorp
Classification: Uncertain significance for Epidermolysis bullosa simplex 3, localized or generalized intermediate, with BP230 deficiency; Hereditary sensory and autonomic neuropathy type 6. Last evaluated: 2023-04-18. Review status: criteria provided, single submitter. Criteria: Invitae Variant Classification Sherloc (09022015). Collection method: clinical testing. Allele origin: germline.
Comment: An algorithm developed to predict the effect of missense changes on protein structure and function (PolyPhen-2) suggests that this variant is likely to be disruptive. This variant has not been reported in the literature in individuals affected with DST-related conditions. This variant is not present in population databases (gnomAD no frequency). This sequence change replaces tryptophan, which is neutral and slightly polar, with arginine, which is basic and polar, at codon 301 of the DST protein (p.Trp301Arg). In summary, the available evidence is currently insufficient to determine the role of this variant in disease. Therefore, it has been classified as a Variant of Uncertain Significance.

NM_001374736.1(DST):c.2512T>C (p.Trp838Arg)

Gene: DST (dystonin; minus strand). Cytogenetic location: 6p12.1.
Variant type: single nucleotide variant.
Coding change: c.2512T>C on transcript NM_001374736.1 (MANE Select); coding-DNA position 2512, T replaced by C.
Protein change: p.Trp838Arg; replaces tryptophan 838 with arginine.
Molecular consequence: missense variant.
Genome position (GRCh38, 1-based): chr6:56,640,036, A>G on the plus strand (T>C on the coding strand, the complement: DST is on the minus strand). VCF-style: chr6-56640036-A-G. GRCh37 (hg19) VCF-style: chr6-56504834-A-G.
Other names: c.2413T>C, p.Trp805Arg (NM_001144769.5); c.1999T>C, p.Trp667Arg (NM_001144770.2); c.2512T>C, p.Trp838Arg (NM_001374722.1); c.1879T>C, p.Trp627Arg (NM_001374729.1, NM_001374730.1, NM_001386100.1 and 1 more transcripts); c.2539T>C, p.Trp847Arg (NM_001374734.1); c.901T>C, p.Trp301Arg (NM_001723.7, NM_015548.5); short protein forms W667R, W838R, W847R, W627R, W805R, W301R.
Identifiers: ClinVar variation 2936924 (VCV002936924.3), dbSNP rs2098875485, ClinGen allele CA364578153.